The following is an entry in ClinVar:

NM_007294.4(BRCA1):c.3700_3704del (p.Val1234fs)

Genes: BRCA1 (BRCA1 DNA repair associated; minus strand), LOC126862571 (BRD4-independent group 4 enhancer GRCh37_chr17:41243136-41244335; plus strand). Cytogenetic location: 17q21.31.
Variant type: Microsatellite.
Coding change: c.3700_3704del on transcript NM_007294.4 (MANE Select); coding-DNA positions 3700 to 3704, 5 bases deleted (GTAAA; older notation c.3700_3704delGTAAA).
Protein change: p.Val1234fs; shifts the reading frame from valine 1234.
Molecular consequence: frameshift variant. On other transcripts: intron variant (135).
Genome position (GRCh38, 1-based): chr17:43,091,827-43,091,831, TTTAC deleted on the plus strand (GTAAA on the coding strand, the reverse complement: BRCA1 is on the minus strand); deleting any 5 consecutive bases within chr17:43,091,827-43,091,836 gives the same sequence; the c. name uses the placement nearest the transcript's 3' end. VCF-style (leftmost placement, unchanged base first): chr17-43091826-GTTTAC-G. GRCh37 (hg19) VCF-style: chr17-41243843-GTTTAC-G.
Other names: 3819_3823delGTAAA; 3819del5; c.3700_3704delGTAAA (NM_007294.3); c.785-799_785-795del (NM_001408397.1, NM_001408401.1, NM_001408396.1 and 13 more transcripts); c.665-799_665-795del (NM_001408436.1, NM_001408444.1, NM_001408438.1 and 12 more transcripts); c.788-799_788-795del (NM_001407980.1, NM_001407993.1, NM_001407976.1 and 17 more transcripts); c.653-799_653-795del (NM_001408451.1); c.644-799_644-795del (NM_001408464.1, NM_001408468.1, NM_001408465.1 and 3 more transcripts); and 45 more; short protein forms V1234fs, V1187fs, V1122fs, V1145fs, V1186fs, V1207fs, V1231fs, V1066fs.
Identifiers: ClinVar variation 37542 (VCV000037542.124), dbSNP rs80357609, ClinGen allele CA002368.

ClinVar aggregate classification (germline): Pathogenic. Review status: reviewed by expert panel (3 of 4 stars). 47 submissions from 44 submitters: Pathogenic (1). 46 of the submissions do not count toward it. Last evaluated 2016-04-22.

Conditions:
BRCA1-related disorder. Also called: BRCA1-related condition.
Abnormality of the ovary. Identifiers: MedGen C4021818, MONDO:0005558, HP:0000137.
Inherited ovarian cancer (without breast cancer).
Inherited breast cancer and ovarian cancer.
Breast and/or ovarian cancer. Identifiers: MedGen CN221562.
Hereditary cancer-predisposing syndrome. Also called: Neoplastic Syndromes, Hereditary; Tumor predisposition; Hereditary Cancer Syndrome; Hereditary neoplastic syndrome. Identifiers: Orphanet 140162, MedGen C0027672, MeSH D009386, MONDO:0015356.
Hereditary breast ovarian cancer syndrome. Also called: Hereditary breast and ovarian cancer; Breast and ovarian cancer; Hereditary breast and/or ovarian cancer syndrome; Hereditary breast and ovarian cancer syndrome (HBOC); Hereditary breast and ovarian cancer syndrome; BRCA1- and BRCA2-Associated Hereditary Breast and Ovarian Cancer. Identifiers: Orphanet 145, MedGen C0677776, MeSH D061325, MONDO:0003582. Disease mechanism: loss of function.
Ovarian neoplasm. Also called: Ovarian tumor; Neoplasm of ovary; Ovarian Neoplasms. Identifiers: MedGen C0919267, MeSH D010051, MONDO:0021068, HP:0100615.
Breast-ovarian cancer, familial, susceptibility to, 1 (BROVCA1). Also called: OVARIAN CANCER, SUSCEPTIBILITY TO; BRCA1 Hereditary Breast and Ovarian Cancer. Identifiers: Orphanet 145, MedGen C2676676, MONDO:0011450, OMIM 604370. Disease mechanism: loss of function.
Familial cancer of breast. Also called: BREAST CANCER, FAMILIAL; Hereditary breast cancer; hereditary breast carcinoma. Identifiers: Orphanet 227535, MedGen C0346153, MONDO:0016419, OMIM 114480. Disease mechanism: loss of function.
Ovarian carcinoma. Identifiers: MedGen C4721610, MONDO:0005140, HP:0025318.
Malignant tumor of breast. Also called: Malignant breast neoplasm; Cancer breast. Identifiers: MedGen C0006142, MONDO:0007254. Disease mechanism: loss of function.

Submissions 1 to 11 of 47:

Evidence-based Network for the Interpretation of Germline Mutant Alleles (ENIGMA)
Classification: Pathogenic for Breast-ovarian cancer, familial, susceptibility to, 1. Last evaluated: 2016-04-22. Review status: reviewed by expert panel. Criteria: ENIGMA BRCA1/2 Classification Criteria (2015). Collection method: curation. Allele origin: germline.
Comment: Variant allele predicted to encode a truncated non-functional protein.

Institute of Human Genetics, University of Leipzig Medical Center
Classification: Pathogenic for Breast-ovarian cancer, familial, susceptibility to, 1. Last evaluated: 2026-05-18. Review status: criteria provided, single submitter. Criteria: ACMG Guidelines, 2015. Collection method: clinical testing. Allele origin: unknown. Affected: yes. Not counted in ClinVar's aggregate classification.
Comment: Criteria applied: PVS1,PP4_VSTR,PM2_SUP,PM5_STR

CeGaT Center for Human Genetics Tuebingen
Classification: Pathogenic. Last evaluated: 2026-04-01. Review status: criteria provided, single submitter. Criteria: CeGaT Center For Human Genetics Tuebingen Variant Classification Criteria Version 2. Collection method: clinical testing. Allele origin: germline. Affected: yes. Observed: 11 variant alleles. Not counted in ClinVar's aggregate classification.
Comment: BRCA1: PVS1, PM2, PS4:Moderate

Institute of Human Genetics, University of Leipzig Medical Center
Classification: Pathogenic for Familial cancer of breast. Last evaluated: 2026-03-30. Review status: criteria provided, single submitter. Criteria: ACMG Guidelines, 2015. Collection method: clinical testing. Allele origin: unknown. Inheritance: Autosomal dominant inheritance. Affected: yes. Not counted in ClinVar's aggregate classification.
Comment: Criteria applied: PVS1,PP4_VSTR,PM5_STR,PM2_SUP

Center for Genomic Medicine, Rigshospitalet, Copenhagen University Hospital
Classification: Pathogenic. Last evaluated: 2025-12-29. Review status: criteria provided, single submitter. Criteria: ACMG Guidelines, 2015. Collection method: clinical testing. Allele origin: germline. Not counted in ClinVar's aggregate classification.
Comment: Classification criteria: PVS1_very strong; PM5_strong

KCCC/NGS Laboratory, Kuwait Cancer Control Center
Classification: Pathogenic for Breast-ovarian cancer, familial, susceptibility to, 1. Last evaluated: 2025-12-01. Review status: criteria provided, single submitter. Criteria: ACMG Guidelines, 2015. Collection method: clinical testing. Allele origin: germline. Inheritance: Autosomal dominant inheritance. Affected: yes. Not counted in ClinVar's aggregate classification.
Comment: A known pathogenic variant

Labcorp Genetics (formerly Invitae), Labcorp
Classification: Pathogenic for Hereditary breast ovarian cancer syndrome. Last evaluated: 2025-11-19. Review status: criteria provided, single submitter. Criteria: Invitae Variant Classification Sherloc (09022015). Collection method: clinical testing. Allele origin: germline. Not counted in ClinVar's aggregate classification.
Comment: This sequence change creates a premature translational stop signal (p.Val1234Glnfs*8) in the BRCA1 gene. It is expected to result in an absent or disrupted protein product. Loss-of-function variants in BRCA1 are known to be pathogenic (PMID: 20104584). This variant is not present in population databases (gnomAD no frequency). This premature translational stop signal has been observed in individual(s) with breast and/or ovarian cancer (PMID: 15024741, 18489799, 21324516, 23479189, 24010542, 25066507). This variant is also known as 3819del5. ClinVar contains an entry for this variant (Variation ID: 37542). For these reasons, this variant has been classified as Pathogenic.

Genetics Laboratory, Great Ormond Street Hospital NHS Foundation Trust, North Thames Genomic Laboratory Hub
Classification: Pathogenic for Inherited breast cancer and ovarian cancer. Last evaluated: 2025-09-16. Review status: criteria provided, single submitter. Criteria: CanVIG BRCA Gene Specific V1.22. Collection method: clinical testing. Allele origin: germline. Affected: yes. Not counted in ClinVar's aggregate classification.
Comment: PS4_supporting, PM2_supporting, PVS1_very-strong, PM5_strong

Genetics Laboratory, Great Ormond Street Hospital NHS Foundation Trust, North Thames Genomic Laboratory Hub
Classification: Pathogenic for Inherited ovarian cancer (without breast cancer). Last evaluated: 2025-09-16. Review status: criteria provided, single submitter. Criteria: CanVIG BRCA Gene Specific V1.22. Collection method: clinical testing. Allele origin: germline. Affected: yes. Not counted in ClinVar's aggregate classification.
Comment: the same text as in the submission from Genetics Laboratory, Great Ormond Street Hospital NHS Foundation Trust, North Thames Genomic Laboratory Hub above.

Quest Diagnostics Nichols Institute San Juan Capistrano
Classification: Pathogenic. Last evaluated: 2025-08-07. Review status: criteria provided, single submitter. Criteria: Quest Diagnostics criteria. Collection method: clinical testing. Allele origin: unknown. Not counted in ClinVar's aggregate classification.
Comment: The BRCA1 c.3700_3704del (p.Val1234Glnfs*8) variant alters the translational reading frame of the BRCA1 mRNA and causes the premature termination of BRCA1 protein synthesis. This variant has been reported in the published literature in individuals with breast and/or ovarian cancer (PMID: 7606717 (1995), 17453335 (2008), 21324516 (2011), 22535016 (2012), 28205045 (2017), 28692638 (2017), 29335924 (2018), 30702160 (2019), 32438681 (2020), 33471991 (2021), see also LOVD), and reportedly unaffected individuals (PMID: 33471991 (2021), see also LOVD). This variant has not been reported in large, multi-ethnic general populations (Genome Aggregation Database). Based on the available information, this variant is classified as pathogenic.

Dasa
Classification: Pathogenic for Breast-ovarian cancer, familial, susceptibility to, 1. Last evaluated: 2025-07-30. Review status: criteria provided, single submitter. Criteria: DASA Assertion Criteria. Collection method: clinical testing. Allele origin: germline. Not counted in ClinVar's aggregate classification.
Comment: NM_007294.4(BRCA1):c.3700_3704del (p.Val1234GlnfsTer8) is a frameshift variant in BRCA1 predicted to alter the reading frame and introduce a premature termination codon and is predicted to result in an absent or altered protein product. Loss of function is an established disease mechanism for BRCA1 (PMID: 32375709; PMID: 21989022; PMID: 11802209). The affected residue or protein region has prior evidence supporting clinical relevance. Published studies describe this variant in association with Breast-ovarian cancer, familial, susceptibility to, 1 (PMID: 15024741; PMID: 36299383; PMID: 36367610; PMID: 23536787; PMID: 22864640). Also, this variant is rare in population databases. Based on the currently available evidence, this variant is classified as pathogenic.